The following is an entry in ClinVar:

NM_000051.4(ATM):c.4151A>C (p.His1384Pro)

Gene: ATM (ATM serine/threonine kinase; plus strand). Cytogenetic location: 11q22.3.
Variant type: single nucleotide variant.
Coding change: c.4151A>C on transcript NM_000051.4 (MANE Select); coding-DNA position 4151, A replaced by C.
Protein change: p.His1384Pro; replaces histidine 1384 with proline.
Molecular consequence: missense variant.
Genome position (GRCh38, 1-based): chr11:108,289,018, A>C. VCF-style: chr11-108289018-A-C. GRCh37 (hg19) VCF-style: chr11-108159745-A-C.
Other names: c.4151A>C, p.His1384Pro (NM_001351834.2); short protein forms H1384P.
Identifiers: ClinVar variation 421181 (VCV000421181.18), dbSNP rs757172522, ClinGen allele CA16619174.

ClinVar aggregate classification (germline): Uncertain significance. Review status: criteria provided, multiple submitters, no conflicts (2 of 4 stars). 5 submissions from 5 submitters: Uncertain significance (5). Last evaluated 2026-01-28.

Conditions:
Hereditary cancer-predisposing syndrome. Also called: Hereditary neoplastic syndrome; Hereditary Cancer Syndrome; Neoplastic Syndromes, Hereditary; Tumor predisposition. Identifiers: Orphanet 140162, MedGen C0027672, MeSH D009386, MONDO:0015356.
Ataxia-telangiectasia syndrome (AT). Also called: Ataxia-telangiectasia, complementation group D; Cerebello-oculocutaneous telangiectasia; Immunodeficiency with ataxia telangiectasia; ATAXIA-TELANGIECTASIA, COMPLEMENTATION GROUP A; ATAXIA-TELANGIECTASIA, FRESNO VARIANT; LOUIS-BAR SYNDROME. Identifiers: Orphanet 100, MedGen C0004135, MONDO:0008840, OMIM 208900.

Allele frequency attached by ClinVar (database versions not stated): TOPMed 0.00001.
gnomAD v4.1: 1 of 1,613,548 alleles (0.000062%); highest among the groups gnomAD compares: Non-Finnish European, 0.000085%; no homozygotes.

Submissions (5):

Labcorp Genetics (formerly Invitae), Labcorp
Classification: Uncertain significance for Ataxia-telangiectasia syndrome. Last evaluated: 2026-01-28. Review status: criteria provided, single submitter. Criteria: Invitae Variant Classification Sherloc (09022015). Collection method: clinical testing. Allele origin: germline.
Comment: This sequence change replaces histidine, which is basic and polar, with proline, which is neutral and non-polar, at codon 1384 of the ATM protein (p.His1384Pro). This variant is not present in population databases (gnomAD no frequency). This missense change has been observed in individual(s) with chronic lymphocytic leukemia (CLL) (PMID: 26837699). ClinVar contains an entry for this variant (Variation ID: 421181). Invitae Evidence Modeling of protein sequence and biophysical properties (such as structural, functional, and spatial information, amino acid conservation, physicochemical variation, residue mobility, and thermodynamic stability) indicates that this missense variant is not expected to disrupt ATM protein function with a negative predictive value of 95%. In summary, the available evidence is currently insufficient to determine the role of this variant in disease. Therefore, it has been classified as a Variant of Uncertain Significance.

Molecular Diagnostics Laboratory, Catalan Institute of Oncology
Classification: Uncertain significance for Hereditary cancer-predisposing syndrome. Last evaluated: 2024-11-18. Review status: criteria provided, single submitter. Criteria: ClinGen ACMG Specifications ATM V1.1.0. Collection method: clinical testing. Allele origin: germline.
Comment: PM2_Supporting c.4151A>C located in exon 28 of the ATM gene, is predicted to result in the substitution of histidine by proline at codon 1384, p.(His1384Pro). It is not present in the population database gnomAD v2.1.1 (non-cancer, exome only subset) (PM2_Supporting). The SpliceAI algorithm predicts no significant impact on splicing and the REVEL meta-predictor score for this variant (0.256) is indeterminate regarding the effect that it may have on protein function. To our knowledge, functional studies have not been reported for this variant. In addition, the variant was also identified in the ClinVar database (4x uncertain significance) but is not present in LOVD database. Based on currently available information, the variant c.4151A>C is classified as an uncertain significance variant according to ClinGen-ATM Guidelines version v1.1.

Ambry Genetics
Classification: Uncertain significance for Hereditary cancer-predisposing syndrome. Last evaluated: 2024-04-29. Review status: criteria provided, single submitter. Criteria: Ambry Variant Classification Scheme 2023. Collection method: clinical testing. Allele origin: germline.
Comment: The p.H1384P variant (also known as c.4151A>C), located in coding exon 27 of the ATM gene, results from an A to C substitution at nucleotide position 4151. The histidine at codon 1384 is replaced by proline, an amino acid with similar properties. This alteration has been reported in an individual with chronic lymphocytic leukemia (Nadeu F et al. Blood, 2016 04;127:2122-30). This amino acid position is not well conserved in available vertebrate species. In addition, the in silico prediction for this alteration is inconclusive. Based on the available evidence, the clinical significance of this variant remains unclear.

PreventionGenetics, part of Exact Sciences
Classification: Uncertain significance. Last evaluated: 2017-03-09. Review status: criteria provided, single submitter. Criteria: ACMG Guidelines, 2015. Collection method: clinical testing. Allele origin: germline.

GeneDx
Classification: Uncertain significance. Last evaluated: 2016-05-11. Review status: criteria provided, single submitter. Criteria: GeneDx Variant Classification (06012015). Collection method: clinical testing. Allele origin: germline. Affected: yes.
Comment: This variant is denoted ATM c.4151A>C at the cDNA level, p.His1384Pro (H1384P) at the protein level, and results in the change of a Histidine to a Proline (CAT>CCT). This variant has not, to our knowledge, been published in the literature as pathogenic or benign. ATM His1384Pro was not observed in approximately 6,500 individuals of European and African American ancestry in the NHLBI Exome Sequencing Project, suggesting it is not a common benign variant in these populations. Since Histidine and Proline differ in polarity, charge, size or other properties, this is considered a non-conservative amino acid substitution. ATM His1384Pro occurs at a position that is conserved in mammals and is not located in a known functional domain (Tavtigian 2009, Stracker 2013). In silico analyses predict that this variant is unlikely to alter protein structure or function. Based on currently available evidence, it is unclear whether ATM His1384Pro is a pathogenic or benign variant. We consider it to be a variant of uncertain significance.

Literature cited by the submitters: PubMed 26837699 (cited by Labcorp Genetics (formerly Invitae), Labcorp and Ambry Genetics).